The following is an entry in ClinVar:

NM_014989.7(RIMS1):c.2258A>T (p.Asp753Val)

Gene: RIMS1 (regulating synaptic membrane exocytosis 1; plus strand). Cytogenetic location: 6q13.
Variant type: single nucleotide variant.
Coding change: c.2258A>T on transcript NM_014989.7 (MANE Select); coding-DNA position 2258, A replaced by T.
Protein change: p.Asp753Val; replaces aspartic acid 753 with valine.
Molecular consequence: missense variant.
Genome position (GRCh38, 1-based): chr6:72,250,346, A>T. VCF-style: chr6-72250346-A-T. GRCh37 (hg19) VCF-style: chr6-72960049-A-T.
Other names: c.680A>T, p.Asp227Val (NM_001168407.2, NM_001168408.2, NM_001350414.2 and 37 more transcripts); c.437A>T, p.Asp146Val (NM_001168409.2, NM_001350461.2, NM_001350463.2 and 6 more transcripts); c.635A>T, p.Asp212Val (NM_001168410.2, NM_001350470.2, NM_001350472.2 and 2 more transcripts); c.611A>T, p.Asp204Val (NM_001350421.2, NM_001350424.2, NM_001350428.2 and 6 more transcripts); short protein forms D146V, D753V, D212V, D204V, D227V.
Identifiers: ClinVar variation 1524763 (VCV001524763.8), dbSNP rs2154134123, ClinGen allele CA364678337.
Genomic context (GRCh38, chr6:72,250,346, plus strand): 5'-GCCTCATGATTTTTACAAATAATTCCTTTCCTCATTGCTCCTAGGTGAAGTTGTGGTATG[A>T]TAAAGTGGGACACCAGCTGATTGTAAATGTTCTGCAAGCAACAGATCTACCTGCTAGAGT-3'
Protein context (NP_055804.2, residues 743-763): PGQLSVKLWY[Asp753Val]KVGHQLIVNV

ClinVar aggregate classification (germline): Uncertain significance (1 of 4 stars; one submission).

gnomAD v4.1: 1 of 1,608,752 alleles (0.000062%); highest among the groups gnomAD compares: Non-Finnish European, 0.000085%; no homozygotes.

Submission:

Labcorp Genetics (formerly Invitae), Labcorp
Classification: Uncertain significance. Last evaluated: 2021-04-10. Review status: criteria provided, single submitter. Criteria: Invitae Variant Classification Sherloc (09022015). Collection method: clinical testing. Allele origin: germline.
Comment: This sequence change replaces aspartic acid with valine at codon 753 of the RIMS1 protein (p.Asp753Val). The aspartic acid residue is highly conserved and there is a large physicochemical difference between aspartic acid and valine. This variant is not present in population databases (ExAC no frequency). This variant has not been reported in the literature in individuals with RIMS1-related conditions. Algorithms developed to predict the effect of missense changes on protein structure and function (SIFT, PolyPhen-2, Align-GVGD) all suggest that this variant is likely to be disruptive, but these predictions have not been confirmed by published functional studies and their clinical significance is uncertain. In summary, the available evidence is currently insufficient to determine the role of this variant in disease. Therefore, it has been classified as a Variant of Uncertain Significance.